The following is an entry in ClinVar:

NM_002055.5(GFAP):c.69G>A (p.Gly23=)

Gene: GFAP (glial fibrillary acidic protein; minus strand). Cytogenetic location: 17q21.31.
Variant type: single nucleotide variant.
Coding change: c.69G>A on transcript NM_002055.5 (MANE Select); coding-DNA position 69, G replaced by A.
Protein change: p.Gly23=; no amino-acid change (glycine 23 retained).
Molecular consequence: synonymous variant.
Genome position (GRCh38, 1-based): chr17:44,915,418, C>T on the plus strand (G>A on the coding strand, the complement: GFAP is on the minus strand). VCF-style: chr17-44915418-C-T. GRCh37 (hg19) VCF-style: chr17-42992786-C-T.
Other names: c.69G>A, p.Gly23= (NM_001131019.3, NM_001242376.3, NM_001363846.2).
Identifiers: ClinVar variation 5039352 (VCV005039352.1).

ClinVar aggregate classification (germline): Likely benign (1 of 4 stars; one submission).

gnomAD v4.1: 18 of 1,608,068 alleles (0.0011%); highest among the groups gnomAD compares: East Asian, 0.018%; no homozygotes.

Submission:

CeGaT Center for Human Genetics Tuebingen
Classification: Likely benign. Last evaluated: 2026-04-01. Review status: criteria provided, single submitter. Criteria: CeGaT Center For Human Genetics Tuebingen Variant Classification Criteria Version 2. Collection method: clinical testing. Allele origin: germline. Affected: yes. Observed: 1 variant allele.
Comment: GFAP: BP4, BP7